The following is an entry in ClinVar:

ClinVar aggregate classification (germline): Uncertain significance (1 of 4 stars; one submission).

Conditions:
Hereditary diffuse gastric adenocarcinoma (HDGC). Also called: DIFFUSE GASTRIC AND LOBULAR BREAST CANCER SYNDROME. Identifiers: Orphanet 26106, MedGen C1708349, MONDO:0007648, OMIM 137215.

Submission:

Labcorp Genetics (formerly Invitae), Labcorp
Classification: Uncertain significance for Hereditary diffuse gastric adenocarcinoma. Last evaluated: 2023-09-06. Review status: criteria provided, single submitter. Criteria: Invitae Variant Classification Sherloc (09022015). Collection method: clinical testing. Allele origin: germline.
Comment: This sequence change replaces asparagine, which is neutral and polar, with aspartic acid, which is acidic and polar, at codon 320 of the CDH1 protein (p.Asn320Asp). This variant is not present in population databases (gnomAD no frequency). This variant has not been reported in the literature in individuals affected with CDH1-related conditions. Algorithms developed to predict the effect of missense changes on protein structure and function output the following: SIFT: "Not Available"; PolyPhen-2: "Benign"; Align-GVGD: "Not Available". The aspartic acid amino acid residue is found in multiple mammalian species, which suggests that this missense change does not adversely affect protein function. In summary, the available evidence is currently insufficient to determine the role of this variant in disease. Therefore, it has been classified as a Variant of Uncertain Significance.

NM_004360.5(CDH1):c.958A>G (p.Asn320Asp)

Gene: CDH1 (cadherin 1; plus strand). Cytogenetic location: 16q22.1.
Variant type: single nucleotide variant.
Coding change: c.958A>G on transcript NM_004360.5 (MANE Select); coding-DNA position 958, A replaced by G.
Protein change: p.Asn320Asp; replaces asparagine 320 with aspartic acid.
Molecular consequence: missense variant. On other transcripts: 5 prime UTR variant (2).
Genome position (GRCh38, 1-based): chr16:68,811,809, A>G. VCF-style: chr16-68811809-A-G. GRCh37 (hg19) VCF-style: chr16-68845712-A-G.
Other names: c.958A>G, p.Asn320Asp (NM_001317184.2); c.-658A>G (NM_001317185.2); c.-862A>G (NM_001317186.2); short protein forms N320D.
Identifiers: ClinVar variation 2860800 (VCV002860800.3), dbSNP rs2152132086, ClinGen allele CA396459807.